The following is an entry in ClinVar:

NM_000059.4(BRCA2):c.4012G>A (p.Gly1338Ser)

Gene: BRCA2 (BRCA2 DNA repair associated; plus strand). Cytogenetic location: 13q13.1.
Variant type: single nucleotide variant.
Coding change: c.4012G>A on transcript NM_000059.4 (MANE Select); coding-DNA position 4012, G replaced by A.
Protein change: p.Gly1338Ser; replaces glycine 1338 with serine.
Molecular consequence: missense variant.
Genome position (GRCh38, 1-based): chr13:32,338,367, G>A. VCF-style: chr13-32338367-G-A. GRCh37 (hg19) VCF-style: chr13-32912504-G-A.
Other names: short protein forms G1338S.
Identifiers: ClinVar variation 462320 (VCV000462320.12), dbSNP rs1555283503, ClinGen allele CA387779020.

ClinVar aggregate classification (germline): Conflicting classifications of pathogenicity. Review status: criteria provided, conflicting classifications (1 of 4 stars). 3 submissions from 3 submitters: Uncertain significance (2); Likely benign (1). Last evaluated 2025-05-03.

Conditions:
Hereditary breast ovarian cancer syndrome. Also called: Hereditary breast and ovarian cancer syndrome (HBOC); Hereditary breast and ovarian cancer syndrome; Breast and ovarian cancer; Hereditary breast and/or ovarian cancer syndrome; Hereditary breast and ovarian cancer; BRCA1- and BRCA2-Associated Hereditary Breast and Ovarian Cancer. Identifiers: Orphanet 145, MedGen C0677776, MeSH D061325, MONDO:0003582. Disease mechanism: loss of function.
Hereditary cancer-predisposing syndrome. Also called: Neoplastic Syndromes, Hereditary; Hereditary Cancer Syndrome; Hereditary neoplastic syndrome; Tumor predisposition. Identifiers: Orphanet 140162, MedGen C0027672, MeSH D009386, MONDO:0015356.

Submissions (3):

Labcorp Genetics (formerly Invitae), Labcorp
Classification: Uncertain significance for Hereditary breast ovarian cancer syndrome. Last evaluated: 2025-05-03. Review status: criteria provided, single submitter. Criteria: Invitae Variant Classification Sherloc (09022015). Collection method: clinical testing. Allele origin: germline.
Comment: This sequence change replaces glycine, which is neutral and non-polar, with serine, which is neutral and polar, at codon 1338 of the BRCA2 protein (p.Gly1338Ser). This variant is not present in population databases (gnomAD no frequency). This variant has not been reported in the literature in individuals affected with BRCA2-related conditions. ClinVar contains an entry for this variant (Variation ID: 462320). Invitae Evidence Modeling of protein sequence and biophysical properties (such as structural, functional, and spatial information, amino acid conservation, physicochemical variation, residue mobility, and thermodynamic stability) indicates that this missense variant is not expected to disrupt BRCA2 protein function with a negative predictive value of 95%. In summary, the available evidence is currently insufficient to determine the role of this variant in disease. Therefore, it has been classified as a Variant of Uncertain Significance.

Ambry Genetics
Classification: Uncertain significance for Hereditary cancer-predisposing syndrome. Last evaluated: 2023-05-17. Review status: criteria provided, single submitter. Criteria: Ambry Variant Classification Scheme 2023. Collection method: clinical testing. Allele origin: germline.
Comment: The p.G1338S variant (also known as c.4012G>A), located in coding exon 10 of the BRCA2 gene, results from a G to A substitution at nucleotide position 4012. The glycine at codon 1338 is replaced by serine, an amino acid with similar properties. This amino acid position is not well conserved in available vertebrate species. In addition, this alteration is predicted to be tolerated by in silico analysis. Since supporting evidence is limited at this time, the clinical significance of this alteration remains unclear.

University of Washington Department of Laboratory Medicine, University of Washington
Classification: Likely benign for Hereditary cancer-predisposing syndrome. Last evaluated: 2023-03-23. Review status: criteria provided, single submitter. Criteria: Dines et al. (Genet Med. 2020). Collection method: curation. Allele origin: germline.
Comment: Missense variant in a coldspot region where missense variants are very unlikely to be pathogenic (PMID:31911673).

BRCA2 exon 11 coldspot. Reclassification based on statistical prior probability.